The following is an entry in ClinVar:

NM_001231.5(CASQ1):c.1089T>G (p.Asp363Glu)

Gene: CASQ1 (calsequestrin 1; plus strand). Cytogenetic location: 1q23.2.
Variant type: single nucleotide variant.
Coding change: c.1089T>G on transcript NM_001231.5 (MANE Select); coding-DNA position 1089, T replaced by G.
Protein change: p.Asp363Glu; replaces aspartic acid 363 with glutamic acid.
Molecular consequence: missense variant.
Genome position (GRCh38, 1-based): chr1:160,201,274, T>G. VCF-style: chr1-160201274-T-G. GRCh37 (hg19) VCF-style: chr1-160171064-T-G.
Other names: short protein forms D363E.
Identifiers: ClinVar variation 3263462 (VCV003263462.2).
Genomic context (GRCh38, chr1:160,201,274, plus strand): 5'-AGCTTCCGTCCCTGCCTGTGCCATCTCCTAGGCGGATAGCGTATGGATGGAAATGGACGA[T>G]GAGGAGGACCTGCCTTCTGCTGAGGAGCTGGAGGACTGGCTGGAGGATGTCCTGGAGGGC-3'
Protein context (NP_001222.3, residues 353-373): DADSVWMEMD[Asp363Glu]EEDLPSAEEL

ClinVar aggregate classification (germline): Uncertain significance. Review status: criteria provided, multiple submitters, no conflicts (2 of 4 stars). 2 submissions from 2 submitters: Uncertain significance (2). Last evaluated 2025-12-25.

Conditions:
Inborn genetic diseases. Identifiers: MedGen C0950123, MeSH D030342.

Submissions (2):

Labcorp Genetics (formerly Invitae), Labcorp
Classification: Uncertain significance. Last evaluated: 2025-12-25. Review status: criteria provided, single submitter. Criteria: Invitae Variant Classification Sherloc (09022015). Collection method: clinical testing. Allele origin: germline.
Comment: This sequence change replaces aspartic acid, which is acidic and polar, with glutamic acid, which is acidic and polar, at codon 363 of the CASQ1 protein (p.Asp363Glu). This variant is not present in population databases (gnomAD no frequency). This variant has not been reported in the literature in individuals affected with CASQ1-related conditions. ClinVar contains an entry for this variant (Variation ID: 3263462). An algorithm developed to predict the effect of missense changes on protein structure and function (PolyPhen-2) suggests that this variant is likely to be tolerated. In summary, the available evidence is currently insufficient to determine the role of this variant in disease. Therefore, it has been classified as a Variant of Uncertain Significance.

Ambry Genetics
Classification: Uncertain significance for Inborn genetic diseases. Last evaluated: 2024-03-30. Review status: criteria provided, single submitter. Criteria: Ambry Variant Classification Scheme 2023. Collection method: clinical testing. Allele origin: germline.
Comment: The p.D363E variant (also known as c.1089T>G), located in coding exon 11 of the CASQ1 gene, results from a T to G substitution at nucleotide position 1089. The aspartic acid at codon 363 is replaced by glutamic acid, an amino acid with highly similar properties. This amino acid position is conserved. In addition, this alteration is predicted to be tolerated by in silico analysis. Based on the available evidence, the clinical significance of this alteration remains unclear.